The following is an entry in ClinVar:

NM_017934.7(PHIP):c.4892C>T (p.Pro1631Leu)

Genes: IRAK1BP1 (interleukin 1 receptor associated kinase 1 binding protein 1; plus strand), PHIP (PHIP subunit of CUL4-Ring ligase complex; minus strand). Cytogenetic location: 6q14.1.
Variant type: single nucleotide variant.
Coding change: c.4892C>T on transcript NM_017934.7 (MANE Select); coding-DNA position 4892, C replaced by T.
Protein change: p.Pro1631Leu; replaces proline 1631 with leucine.
Molecular consequence: missense variant.
Genome position (GRCh38, 1-based): chr6:78,941,267, G>A on the plus strand (C>T on the coding strand, the complement: PHIP is on the minus strand). VCF-style: chr6-78941267-G-A. GRCh37 (hg19) VCF-style: chr6-79650984-G-A.
Other names: c.4892C>T (NM_017934.5); short protein forms P1631L.
Identifiers: ClinVar variation 2784646 (VCV002784646.4), dbSNP rs2481767477, ClinGen allele CA364633742.

ClinVar aggregate classification (germline): Uncertain significance. Review status: criteria provided, multiple submitters, no conflicts (2 of 4 stars). 2 submissions from 2 submitters: Uncertain significance (2). Last evaluated 2026-03-16.

Allele frequency attached by ClinVar (database versions not stated): gnomAD exomes below 0.00001.
gnomAD v4.1: 2 of 1,613,262 alleles (0.00012%); highest among the groups gnomAD compares: Non-Finnish European, 0.00017%; no homozygotes.

Submissions (2):

GeneDx
Classification: Uncertain significance. Last evaluated: 2026-03-16. Review status: criteria provided, single submitter. Criteria: GeneDx Variant Classification Process June 2021. Collection method: clinical testing. Allele origin: germline.
Comment: Not observed at significant frequency in large population cohorts (gnomAD); In silico analysis suggests that this missense variant does not alter protein structure/function; Has not been previously published as pathogenic or benign to our knowledge

Labcorp Genetics (formerly Invitae), Labcorp
Classification: Uncertain significance. Last evaluated: 2024-01-12. Review status: criteria provided, single submitter. Criteria: Invitae Variant Classification Sherloc (09022015). Collection method: clinical testing. Allele origin: germline.
Comment: This sequence change replaces proline, which is neutral and non-polar, with leucine, which is neutral and non-polar, at codon 1631 of the PHIP protein (p.Pro1631Leu). This variant is not present in population databases (gnomAD no frequency). This variant has not been reported in the literature in individuals affected with PHIP-related conditions. Experimental studies and prediction algorithms are not available or were not evaluated, and the functional significance of this variant is currently unknown. In summary, the available evidence is currently insufficient to determine the role of this variant in disease. Therefore, it has been classified as a Variant of Uncertain Significance.